The following is an entry in ClinVar:

NM_032802.4(SPPL2A):c.1060T>C (p.Phe354Leu)

Gene: SPPL2A (signal peptide peptidase like 2A; minus strand). Cytogenetic location: 15q21.2.
Variant type: single nucleotide variant.
Coding change: c.1060T>C on transcript NM_032802.4 (MANE Select); coding-DNA position 1060, T replaced by C.
Protein change: p.Phe354Leu; replaces phenylalanine 354 with leucine.
Molecular consequence: missense variant.
Genome position (GRCh38, 1-based): chr15:50,730,994, A>G on the plus strand (T>C on the coding strand, the complement: SPPL2A is on the minus strand). VCF-style: chr15-50730994-A-G. GRCh37 (hg19) VCF-style: chr15-51023191-A-G.
Other names: c.1060T>C, p.Phe354Leu (NM_001438111.1, NM_001438112.1); short protein forms F354L.
Identifiers: ClinVar variation 4694457 (VCV004694457.1).

ClinVar aggregate classification (germline): Uncertain significance (1 of 4 stars; one submission).

Submission:

Labcorp Genetics (formerly Invitae), Labcorp
Classification: Uncertain significance. Last evaluated: 2025-07-13. Review status: criteria provided, single submitter. Criteria: Invitae Variant Classification Sherloc (09022015). Collection method: clinical testing. Allele origin: germline.
Comment: This sequence change replaces phenylalanine, which is neutral and non-polar, with leucine, which is neutral and non-polar, at codon 354 of the SPPL2A protein (p.Phe354Leu). This variant is not present in population databases (gnomAD no frequency). This variant has not been reported in the literature in individuals affected with SPPL2A-related conditions. An algorithm developed to predict the effect of missense changes on protein structure and function (PolyPhen-2) suggests that this variant is likely to be tolerated. In summary, the available evidence is currently insufficient to determine the role of this variant in disease. Therefore, it has been classified as a Variant of Uncertain Significance.